The following is an entry in ClinVar:

NM_000038.6(APC):c.1234C>G (p.Gln412Glu)

Gene: APC (APC regulator of Wnt signaling pathway; plus strand). Cytogenetic location: 5q22.2.
Variant type: single nucleotide variant.
Coding change: c.1234C>G on transcript NM_000038.6 (MANE Select); coding-DNA position 1234, C replaced by G.
Protein change: p.Gln412Glu; replaces glutamine 412 with glutamic acid.
Molecular consequence: missense variant. On other transcripts: intron variant (4).
Genome position (GRCh38, 1-based): chr5:112,819,266, C>G. VCF-style: chr5-112819266-C-G. GRCh37 (hg19) VCF-style: chr5-112154963-C-G.
Other names: c.1234C>G, p.Gln412Glu (NM_001127510.3, NM_001354895.2, NM_001354896.2); c.1180C>G, p.Gln394Glu (NM_001127511.3); c.1264C>G, p.Gln422Glu (NM_001354897.2); c.1159C>G, p.Gln387Glu (NM_001354898.2); c.1150C>G, p.Gln384Glu (NM_001354899.2); c.1057C>G, p.Gln353Glu (NM_001354900.2, NM_001354901.2); c.385C>G, p.Gln129Glu (NM_001354906.2); c.964-3C>G (NM_001354902.2); and 3 more; short protein forms Q394E, Q412E, Q353E, Q384E, Q387E, Q129E, Q422E.
Identifiers: ClinVar variation 495352 (VCV000495352.2), dbSNP rs876660802, ClinGen allele CA16024004.
Genomic context (GRCh38, chr5:112,819,266, plus strand): 5'-CACTCACAGCCTGATGACAAGAGAGGCAGGCGTGAAATCCGAGTCCTTCATCTTTTGGAA[C>G]AGATACGCGCTTACTGTGAAACCTGTTGGGAGTGGCAGGAAGCTCATGAACCAGGCATGG-3'
Protein context (NP_000029.2, residues 402-422): REIRVLHLLE[Gln412Glu]IRAYCETCWE

ClinVar aggregate classification (germline): Uncertain significance. Review status: criteria provided, multiple submitters, no conflicts (2 of 4 stars). 2 submissions from 2 submitters: Uncertain significance (2). Last evaluated 2026-03-02.

Conditions:
Hereditary cancer-predisposing syndrome. Also called: Tumor predisposition; Hereditary Cancer Syndrome; Neoplastic Syndromes, Hereditary; Hereditary neoplastic syndrome. Identifiers: Orphanet 140162, MedGen C0027672, MeSH D009386, MONDO:0015356.

Submissions (2):

Ambry Genetics
Classification: Uncertain significance for Hereditary cancer-predisposing syndrome. Last evaluated: 2026-03-02. Review status: criteria provided, single submitter. Criteria: Ambry Variant Classification Scheme 2023. Collection method: clinical testing. Allele origin: germline.
Comment: The p.Q412E variant (also known as c.1234C>G), located in coding exon 9 of the APC gene, results from a C to G substitution at nucleotide position 1234. The glutamine at codon 412 is replaced by glutamic acid, an amino acid with highly similar properties. This amino acid position is highly conserved in available vertebrate species. In addition, in silico predictors for this gene do not accurately predict pathogenicity. Missense variants in APC are not a common cause of disease (Spier I et al. Genet Med. 2024 Feb;26(2):100992). Based on the available evidence, the clinical significance of this variant remains unclear.

Women's Health and Genetics/Laboratory Corporation of America, LabCorp
Classification: Uncertain significance. Last evaluated: 2017-01-03. Review status: criteria provided, single submitter. Criteria: LabCorp Variant Classification Summary - May 2015. Collection method: clinical testing. Allele origin: germline.
Comment: Variant summary: The APC c.1234C>G (p.Gln412Glu) variant located in the Armadillo-like helical domain (via InterPro) causes a missense change involving a conserved nucleotide, which 3/5 in silico tools predict a damaging outcome, although these predictions have yet to be functionally assessed. The variant of interest was not observed in controls (ExAC, 1000 Gs, or ESP), nor has it been, to our knowledge, reported in affected individuals via publications and/or clinical diagnostic laboratories/databases. Therefore, until additional information becomes available (ie, clinical and functional studies), the variant of interest has been classified as a "Variant of Uncertain Significance (VUS)."